The following is an entry in ClinVar:

ClinVar aggregate classification (germline): Uncertain significance (1 of 4 stars; one submission).

Submission:

Labcorp Genetics (formerly Invitae), Labcorp
Classification: Uncertain significance. Last evaluated: 2025-04-27. Review status: criteria provided, single submitter. Criteria: Invitae Variant Classification Sherloc (09022015). Collection method: clinical testing. Allele origin: germline.
Comment: This sequence change replaces proline, which is neutral and non-polar, with serine, which is neutral and polar, at codon 249 of the LRRC10 protein (p.Pro249Ser). This variant is not present in population databases (gnomAD no frequency). This variant has not been reported in the literature in individuals affected with LRRC10-related conditions. An algorithm developed to predict the effect of missense changes on protein structure and function (PolyPhen-2) suggests that this variant is likely to be tolerated. In summary, the available evidence is currently insufficient to determine the role of this variant in disease. Therefore, it has been classified as a Variant of Uncertain Significance.

NM_201550.4(LRRC10):c.745C>T (p.Pro249Ser)

Gene: LRRC10 (leucine rich repeat containing 10; minus strand). Cytogenetic location: 12q15.
Variant type: single nucleotide variant.
Coding change: c.745C>T on transcript NM_201550.4 (MANE Select); coding-DNA position 745, C replaced by T.
Protein change: p.Pro249Ser; replaces proline 249 with serine.
Molecular consequence: missense variant.
Genome position (GRCh38, 1-based): chr12:69,610,094, G>A on the plus strand (C>T on the coding strand, the complement: LRRC10 is on the minus strand). VCF-style: chr12-69610094-G-A. GRCh37 (hg19) VCF-style: chr12-70003874-G-A.
Other names: short protein forms P249S.
Identifiers: ClinVar variation 4783782 (VCV004783782.1).